The following is an entry in ClinVar:

ClinVar aggregate classification (germline): Uncertain significance. Review status: criteria provided, multiple submitters, no conflicts (2 of 4 stars). 3 submissions from 3 submitters: Uncertain significance (3). Last evaluated 2025-07-14.

Conditions:
Hereditary nonpolyposis colorectal neoplasms. Identifiers: MedGen C0009405, MeSH D003123.
Hereditary cancer-predisposing syndrome. Also called: Tumor predisposition; Hereditary Cancer Syndrome; Hereditary neoplastic syndrome; Neoplastic Syndromes, Hereditary. Identifiers: Orphanet 140162, MedGen C0027672, MeSH D009386, MONDO:0015356.

Submissions (3):

Ambry Genetics
Classification: Uncertain significance for Hereditary cancer-predisposing syndrome. Last evaluated: 2025-07-14. Review status: criteria provided, single submitter. Criteria: Ambry Variant Classification Scheme 2023. Collection method: clinical testing. Allele origin: germline.
Comment: The p.W912R variant (also known as c.2734T>C), located in coding exon 4 of the MSH6 gene, results from a T to C substitution at nucleotide position 2734. The tryptophan at codon 912 is replaced by arginine, an amino acid with dissimilar properties. This amino acid position is conserved. In addition, this alteration is predicted to be deleterious by in silico analysis. Based on the available evidence, the clinical significance of this variant remains unclear.

Labcorp Genetics (formerly Invitae), Labcorp
Classification: Uncertain significance for Hereditary nonpolyposis colorectal neoplasms. Last evaluated: 2021-01-08. Review status: criteria provided, single submitter. Criteria: Invitae Variant Classification Sherloc (09022015). Collection method: clinical testing. Allele origin: germline.
Comment: This variant is not present in population databases (ExAC no frequency) and has not been reported in the literature in individuals with a MSH6-related disease. This sequence change replaces tryptophan with arginine at codon 912 of the MSH6 protein (p.Trp912Arg). The tryptophan residue is moderately conserved and there is a moderate physicochemical difference between tryptophan and arginine. In summary, this variant is a novel missense change with uncertain impact on protein function. It has been classified as a Variant of Uncertain Significance. Algorithms developed to predict the effect of missense changes on protein structure and function (SIFT, PolyPhen-2, Align-GVGD) all suggest that this variant is likely to be disruptive, but these predictions have not been confirmed by published functional studies.

Quest Diagnostics Nichols Institute San Juan Capistrano
Classification: Uncertain significance. Last evaluated: 2017-10-21. Review status: criteria provided, single submitter. Criteria: Quest Diagnostics criteria. Collection method: clinical testing. Allele origin: germline.

NM_000179.3(MSH6):c.2734T>C (p.Trp912Arg)

Gene: MSH6 (mutS homolog 6; plus strand). Cytogenetic location: 2p16.3.
Variant type: single nucleotide variant.
Coding change: c.2734T>C on transcript NM_000179.3 (MANE Select); coding-DNA position 2734, T replaced by C.
Protein change: p.Trp912Arg; replaces tryptophan 912 with arginine.
Molecular consequence: missense variant.
Genome position (GRCh38, 1-based): chr2:47,800,717, T>C. VCF-style: chr2-47800717-T-C. GRCh37 (hg19) VCF-style: chr2-48027856-T-C.
Other names: c.2344T>C, p.Trp782Arg (NM_001281492.2); c.1828T>C, p.Trp610Arg (NM_001281493.2, NM_001281494.2); short protein forms W912R, W610R, W782R.
Identifiers: ClinVar variation 410385 (VCV000410385.10), dbSNP rs1060502869, ClinGen allele CA16610945.
Genomic context (GRCh38, chr2:47,800,717, plus strand): 5'-TCTCTGCAGACAAAAAATCCTGAAGGTCGTTTTCCTGATTTGACTGTAGAATTGAACCGA[T>C]GGGATACAGCCTTTGACCATGAAAAGGCTCGAAAGACTGGACTTATTACTCCCAAAGCAG-3'
Protein context (NP_000170.1, residues 902-922): FPDLTVELNR[Trp912Arg]DTAFDHEKAR